The following is an entry in ClinVar:

ClinVar aggregate classification (germline): Uncertain significance (1 of 4 stars; one submission).

Conditions:
SAMD9-related disorder. Also called: SAMD9-related condition.

Submission:

PreventionGenetics, part of Exact Sciences
Classification: Uncertain significance for SAMD9-related condition. Last evaluated: 2026-02-04. Review status: criteria provided, single submitter. Criteria: ACMG Guidelines, 2015. Collection method: clinical testing. Allele origin: germline.
Comment: The SAMD9 c.2070_2072delATG variant is predicted to result in an in-frame deletion (p.Trp692del). To our knowledge, this variant has not been reported in the literature or in a large population database, indicating this variant is rare. At this time, the clinical significance of this variant is uncertain due to the absence of conclusive functional and genetic evidence.

NM_017654.4(SAMD9):c.2070_2072del (p.Trp692del)

Gene: SAMD9 (sterile alpha motif domain containing 9; minus strand). Cytogenetic location: 7q21.2.
Variant type: Deletion.
Coding change: c.2070_2072del on transcript NM_017654.4 (MANE Select); coding-DNA positions 2070 to 2072, 3 bases deleted (ATG; older notation c.2070_2072delATG).
Protein change: p.Trp692del; deletes tryptophan 692.
Genome position (GRCh38, 1-based): chr7:93,104,026-93,104,028, CAT deleted on the plus strand (ATG on the coding strand, the reverse complement: SAMD9 is on the minus strand). VCF-style (leftmost placement, unchanged base first): chr7-93104025-CCAT-C. GRCh37 (hg19) VCF-style: chr7-92733338-CCAT-C.
Other names: c.2070_2072del, p.Trp692del (NM_001193307.2); short protein forms W692del.
Identifiers: ClinVar variation 3044254 (VCV003044254.3), dbSNP rs1791584824, ClinGen allele CA1726201355.